The following is an entry in ClinVar:

ClinVar aggregate classification (germline): Uncertain significance (1 of 4 stars; one submission).

Conditions:
Cardiovascular phenotype. Identifiers: MedGen CN230736.

gnomAD v4.1: 1 of 1,614,066 alleles (0.000062%); highest among the groups gnomAD compares: African/African-American, 0.0013%; no homozygotes.

Submission:

Ambry Genetics
Classification: Uncertain significance for Cardiovascular phenotype. Last evaluated: 2025-03-31. Review status: criteria provided, single submitter. Criteria: Ambry Variant Classification Scheme 2023. Collection method: clinical testing. Allele origin: germline.
Comment: The p.R356K variant (also known as c.1067G>A), located in coding exon 9 of the APOB gene, results from a G to A substitution at nucleotide position 1067. The arginine at codon 356 is replaced by lysine, an amino acid with highly similar properties. This amino acid position is conserved. In addition, this alteration is predicted to be deleterious by in silico analysis. Based on the available evidence, the clinical significance of this variant remains unclear.

NM_000384.3(APOB):c.1067G>A (p.Arg356Lys)

Gene: APOB (apolipoprotein B; minus strand). Cytogenetic location: 2p24.1.
Variant type: single nucleotide variant.
Coding change: c.1067G>A on transcript NM_000384.3 (MANE Select); coding-DNA position 1067, G replaced by A.
Protein change: p.Arg356Lys; replaces arginine 356 with lysine.
Molecular consequence: missense variant.
Genome position (GRCh38, 1-based): chr2:21,033,356, C>T on the plus strand (G>A on the coding strand, the complement: APOB is on the minus strand). VCF-style: chr2-21033356-C-T. GRCh37 (hg19) VCF-style: chr2-21256228-C-T.
Other names: short protein forms R356K.
Identifiers: ClinVar variation 3932637 (VCV003932637.1).